The following is an entry in ClinVar:

ClinVar aggregate classification (germline): Conflicting classifications of pathogenicity. Review status: criteria provided, conflicting classifications (1 of 4 stars). 2 submissions from 2 submitters: Uncertain significance (1); Likely benign (1). Last evaluated 2024-02-27.

Conditions:
Candidiasis, familial, 9 (CANDF9). Identifiers: Orphanet 1334, MedGen C4225324, MONDO:0014642, OMIM 616445.

Allele frequency attached by ClinVar (database versions not stated): gnomAD below 0.00001 and 0.00001; TOPMed below 0.00001; ExAC 0.00001; gnomAD exomes 0.00001.
gnomAD v4.1: 22 of 1,613,452 alleles (0.0014%); highest among the groups gnomAD compares: Middle Eastern, 0.016%; no homozygotes.

Submissions (2):

Ambry Genetics
Classification: Likely benign. Last evaluated: 2024-02-27. Review status: criteria provided, single submitter. Criteria: Ambry Variant Classification Scheme 2023. Collection method: clinical testing. Allele origin: germline.

Labcorp Genetics (formerly Invitae), Labcorp
Classification: Uncertain significance for Candidiasis, familial, 9. Last evaluated: 2020-01-31. Review status: criteria provided, single submitter. Criteria: Invitae Variant Classification Sherloc (09022015). Collection method: clinical testing. Allele origin: germline.
Comment: In summary, the available evidence is currently insufficient to determine the role of this variant in disease. Therefore, it has been classified as a Variant of Uncertain Significance. Algorithms developed to predict the effect of missense changes on protein structure and function output the following: SIFT: "Tolerated"; PolyPhen-2: "Benign"; Align-GVGD: "Class C0". The methionine amino acid residue is found in multiple mammalian species, suggesting that this missense change does not adversely affect protein function. These predictions have not been confirmed by published functional studies and their clinical significance is uncertain. This variant has not been reported in the literature in individuals with IL17RC-related conditions. This variant is present in population databases (rs750484094, ExAC 0.002%). This sequence change replaces valine with methionine at codon 125 of the IL17RC protein (p.Val125Met). The valine residue is moderately conserved and there is a small physicochemical difference between valine and methionine.

NM_153460.4(IL17RC):c.160G>A (p.Val54Met)

Gene: IL17RC (interleukin 17 receptor C; plus strand). Cytogenetic location: 3p25.3.
Variant type: single nucleotide variant.
Coding change: c.160G>A on transcript NM_153460.4 (MANE Select); coding-DNA position 160, G replaced by A.
Protein change: p.Val54Met; replaces valine 54 with methionine.
Molecular consequence: missense variant. On other transcripts: non-coding transcript variant (1).
Genome position (GRCh38, 1-based): chr3:9,917,955, G>A. VCF-style: chr3-9917955-G-A. GRCh37 (hg19) VCF-style: chr3-9959639-G-A.
Other names: c.160G>A, p.Val54Met (NM_001203263.2, NM_001203264.2, NM_001203265.2 and 4 more transcripts); c.373G>A, p.Val125Met (NM_153461.4); c.373G>A (NM_153461.3); short protein forms V125M, V54M.
Identifiers: ClinVar variation 1004864 (VCV001004864.6), dbSNP rs750484094, ClinGen allele CA2246752.